The following is an entry in ClinVar:

ClinVar aggregate classification (germline): Uncertain significance (1 of 4 stars; one submission).

Submission:

CeGaT Center for Human Genetics Tuebingen
Classification: Uncertain significance. Last evaluated: 2024-07-01. Review status: criteria provided, single submitter. Criteria: CeGaT Center For Human Genetics Tuebingen Variant Classification Criteria Version 2. Collection method: clinical testing. Allele origin: germline. Affected: yes. Observed: 1 variant allele.
Comment: PCDH11X: PM2, PP2, BP4

NM_032968.5(PCDH11X):c.1210A>G (p.Ile404Val)

Gene: PCDH11X (protocadherin 11 X-linked; plus strand). Cytogenetic location: Xq21.31.
Variant type: single nucleotide variant.
Coding change: c.1210A>G on transcript NM_032968.5 (MANE Select); coding-DNA position 1210, A replaced by G.
Protein change: p.Ile404Val; replaces isoleucine 404 with valine.
Molecular consequence: missense variant.
Genome position (GRCh38, 1-based): chrX:91,877,450, A>G. VCF-style: chrX-91877450-A-G. GRCh37 (hg19) VCF-style: chrX-91132449-A-G.
Other names: c.1210A>G, p.Ile404Val (NM_001168360.1, NM_001168361.1, NM_001168362.1 and 2 more transcripts); short protein forms I404V.
Identifiers: ClinVar variation 3257546 (VCV003257546.17).